The following is an entry in ClinVar:

ClinVar aggregate classification (germline): Uncertain significance. Review status: criteria provided, single submitter (1 of 4 stars). 2 submissions from 2 submitters: Uncertain significance (1). 1 of the submissions does not count toward it. Last evaluated 2021-02-16.

Conditions:
Roberts-SC phocomelia syndrome (RBS). Also called: ESCO2 Spectrum Disorder; Hypomelia hypotrichosis facial hemangioma syndrome; LONG BONE DEFICIENCIES ASSOCIATED WITH CLEFT LIP-PALATE; Pseudothalidomide syndrome; Appelt-Gerken-Lenz syndrome. Identifiers: Orphanet 3103, MedGen C0392475, MONDO:0100253, OMIM 268300.
Inborn genetic diseases. Identifiers: MedGen C0950123, MeSH D030342.

Allele frequency attached by ClinVar (database versions not stated): gnomAD exomes below 0.00001.

Submissions (2):

Ambry Genetics
Classification: Uncertain significance for Inborn genetic diseases. Last evaluated: 2021-02-16. Review status: criteria provided, single submitter. Criteria: Ambry Variant Classification Scheme 2023. Collection method: clinical testing. Allele origin: germline.
Comment: The c.1014-6delG alteration is located in Intron 5 (E) of the ESCO2 gene. This alteration consists of a deletion of 1 nucleotides between nucleotide positions c.1014-6 and c.1014-6 Intron 5 (E). Based on insufficient or conflicting evidence, the clinical significance of this alteration remains unclear.

Natera, Inc.
Classification: Uncertain significance for Roberts syndrome. Last evaluated: 2025-04-15. Review status: no assertion criteria provided. Collection method: clinical testing. Allele origin: germline. Not counted in ClinVar's aggregate classification.

NM_001017420.3(ESCO2):c.1014-6del

Gene: ESCO2 (establishment of sister chromatid cohesion N-acetyltransferase 2; plus strand). Cytogenetic location: 8p21.1.
Variant type: Deletion.
Coding change: c.1014-6del on transcript NM_001017420.3 (MANE Select); 6 bases into the intron before coding-DNA position 1014, one base deleted (G; older notation c.1014-6delG).
Molecular consequence: intron variant.
Genome position (GRCh38, 1-based): chr8:27,787,879, G deleted. VCF-style (leftmost placement, unchanged base first): chr8-27787878-TG-T. GRCh37 (hg19) VCF-style: chr8-27645395-TG-T.
Other names: c.1014-6delG (NM_001017420.2); c.1014-6del (NM_001017420.2).
Identifiers: ClinVar variation 2229600 (VCV002229600.3), dbSNP rs2486654046, ClinGen allele CA2580078092.